The following is an entry in ClinVar:

ClinVar aggregate classification (germline): Conflicting classifications of pathogenicity. Review status: criteria provided, conflicting classifications (1 of 4 stars). 4 submissions from 4 submitters: Uncertain significance (1); Likely benign (2). 1 of the submissions does not count toward it. Last evaluated 2026-01-11.

Conditions:
SZT2-related disorder. Also called: SZT2-related condition.

Allele frequency attached by ClinVar (database versions not stated): gnomAD exomes 0.00007 and 0.00016; ExAC 0.00020; gnomAD 0.00070 and 0.00075; TOPMed 0.00081; ESP Exome Variant Server 0.00108; 1000 Genomes Project 0.00140; 1000 Genomes Project 30x 0.00141.
gnomAD v4.1: 217 of 1,613,566 alleles (0.013%); highest among the groups gnomAD compares: African/African-American, 0.26%; 1 homozygote.

Submissions (4):

Labcorp Genetics (formerly Invitae), Labcorp
Classification: Likely benign. Last evaluated: 2026-01-11. Review status: criteria provided, single submitter. Criteria: Invitae Variant Classification Sherloc (09022015). Collection method: clinical testing. Allele origin: germline.

Blueprint Genetics
Classification: Likely benign. Last evaluated: 2023-06-15. Review status: criteria provided, single submitter. Criteria: ACMG Guidelines, 2015. Collection method: clinical testing. Allele origin: germline.

Genetic Services Laboratory, University of Chicago
Classification: Uncertain significance. Last evaluated: 2015-04-03. Review status: criteria provided, single submitter. Criteria: ACMG Guidelines, 2015. Collection method: clinical testing. Allele origin: germline.

PreventionGenetics, part of Exact Sciences
Classification: Likely benign for SZT2-related condition. Last evaluated: 2024-04-25. Review status: no assertion criteria provided. Collection method: clinical testing. Allele origin: germline. Not counted in ClinVar's aggregate classification.
Comment: This variant is classified as likely benign based on ACMG/AMP sequence variant interpretation guidelines (Richards et al. 2015 PMID: 25741868, with internal and published modifications).

NM_001365999.1(SZT2):c.8916+8G>A

Gene: SZT2 (SZT2 subunit of KICSTOR complex; plus strand). Cytogenetic location: 1p34.2.
Variant type: single nucleotide variant.
Coding change: c.8916+8G>A on transcript NM_001365999.1 (MANE Select); 8 bases into the intron after coding-DNA position 8916, G replaced by A.
Molecular consequence: intron variant.
Genome position (GRCh38, 1-based): chr1:43,445,992, G>A. VCF-style: chr1-43445992-G-A. GRCh37 (hg19) VCF-style: chr1-43911663-G-A.
Other names: c.8745+8G>A (NM_015284.4).
Identifiers: ClinVar variation 212367 (VCV000212367.18), dbSNP rs147419780, ClinGen allele CA206952.